The following is an entry in ClinVar:

NM_001374828.1(ARID1B):c.1599_1607del (p.Ser534_Pro536del)

Gene: ARID1B (AT-rich interaction domain 1B; plus strand). Cytogenetic location: 6q25.3.
Variant type: Deletion.
Coding change: c.1599_1607del on transcript NM_001374828.1 (MANE Select); coding-DNA positions 1599 to 1607, 9 bases deleted (GTCGCAGCC; older notation c.1599_1607delGTCGCAGCC).
Protein change: p.Ser534_Pro536del.
Molecular consequence: inframe deletion.
Genome position (GRCh38, 1-based): chr6:156,779,279-156,779,287, GTCGCAGCC deleted; deleting any 9 consecutive bases within chr6:156,779,276-156,779,287 gives the same sequence; the c. name uses the placement nearest the transcript's 3' end. VCF-style (leftmost placement, unchanged base first): chr6-156779275-CGCCGTCGCA-C. GRCh37 (hg19) VCF-style: chr6-157100409-CGCCGTCGCA-C.
Other names: c.1599_1607del, p.Ser534_Pro536del (NM_001371656.1, NM_001374820.1, NM_017519.3).
Identifiers: ClinVar variation 1362815 (VCV001362815.8), dbSNP rs752295930, ClinGen allele CA4066768.

ClinVar aggregate classification (germline): Uncertain significance (1 of 4 stars; one submission).

Submission:

Labcorp Genetics (formerly Invitae), Labcorp
Classification: Uncertain significance. Last evaluated: 2021-04-06. Review status: criteria provided, single submitter. Criteria: Invitae Variant Classification Sherloc (09022015). Collection method: clinical testing. Allele origin: germline.
Comment: In summary, the available evidence is currently insufficient to determine the role of this variant in disease. Therefore, it has been classified as a Variant of Uncertain Significance. Experimental studies and prediction algorithms are not available or were not evaluated, and the functional significance of this variant is currently unknown. This variant has not been reported in the literature in individuals with ARID1B-related conditions. This variant, c.1350_1358del, results in the deletion of 3 amino acid(s) of the ARID1B protein (p.Ser451_Pro453del), but otherwise preserves the integrity of the reading frame. The frequency data for this variant in the population databases is considered unreliable, as metrics indicate poor data quality at this position in the ExAC database.